The following is an entry in ClinVar:

ClinVar aggregate classification (germline): Uncertain significance (1 of 4 stars; one submission).

Conditions:
MHC class II deficiency. Also called: Bare lymphocyte syndrome 2; BLS, TYPE II. Identifiers: Orphanet 572, MedGen C5447452, MONDO:0008855.

Submission:

Labcorp Genetics (formerly Invitae), Labcorp
Classification: Uncertain significance for MHC class II deficiency. Last evaluated: 2023-10-10. Review status: criteria provided, single submitter. Criteria: Invitae Variant Classification Sherloc (09022015). Collection method: clinical testing. Allele origin: germline.
Comment: This sequence change replaces arginine, which is basic and polar, with cysteine, which is neutral and slightly polar, at codon 411 of the CIITA protein (p.Arg411Cys). Information on the frequency of this variant in the gnomAD database is not available, as this variant may be reported differently in the database. This variant has not been reported in the literature in individuals affected with CIITA-related conditions. Experimental studies and prediction algorithms are not available or were not evaluated, and the functional significance of this variant is currently unknown. In summary, the available evidence is currently insufficient to determine the role of this variant in disease. Therefore, it has been classified as a Variant of Uncertain Significance.

NM_000246.4(CIITA):c.1230_1231delinsAT (p.Arg411Cys)

Gene: CIITA (class II major histocompatibility complex transactivator; plus strand). Cytogenetic location: 16p13.13.
Variant type: Indel.
Coding change: c.1230_1231delinsAT on transcript NM_000246.4 (MANE Select); coding-DNA positions 1230 to 1231, GC replaced by AT.
Protein change: p.Arg411Cys; replaces arginine 411 with cysteine.
Molecular consequence: missense variant. On other transcripts: intron variant (1).
Genome position (GRCh38, 1-based): chr16:10,906,722-10,906,723, GC replaced by AT. VCF-style: chr16-10906722-GC-AT. GRCh37 (hg19) VCF-style: chr16-11000579-GC-AT.
Other names: c.1233_1234delinsAT, p.Arg412Cys (NM_001286402.1, NM_001379332.1); c.1086_1087delinsAT, p.Arg363Cys (NM_001379330.1); c.1083_1084delinsAT, p.Arg362Cys (NM_001379331.1); c.1230_1231delinsAT, p.Arg411Cys (NM_001379333.1); c.1161_1162delinsAT, p.Arg388Cys (NM_001379334.1); c.859+1910_859+1911delinsAT (NM_001286403.2); short protein forms R362C, R412C, R388C, R363C, R411C.
Identifiers: ClinVar variation 2764414 (VCV002764414.3), dbSNP rs2544471977, ClinGen allele CA2697555640.